The following is an entry in ClinVar:

NM_001164508.2(NEB):c.6547C>A (p.Pro2183Thr)

Gene: NEB (nebulin; minus strand). Cytogenetic location: 2q23.3.
Variant type: single nucleotide variant.
Coding change: c.6547C>A on transcript NM_001164508.2 (MANE Select); coding-DNA position 6547, C replaced by A.
Protein change: p.Pro2183Thr; replaces proline 2183 with threonine.
Molecular consequence: missense variant.
Genome position (GRCh38, 1-based): chr2:151,655,972, G>T on the plus strand (C>A on the coding strand, the complement: NEB is on the minus strand). VCF-style: chr2-151655972-G-T. GRCh37 (hg19) VCF-style: chr2-152512486-G-T.
Other names: c.6547C>A, p.Pro2183Thr (NM_001164507.2, NM_001271208.2, NM_004543.5); short protein forms P2183T.
Identifiers: ClinVar variation 1952581 (VCV001952581.2), dbSNP rs2552252687, ClinGen allele CA348797667.

ClinVar aggregate classification (germline): Uncertain significance (1 of 4 stars; one submission).

Conditions:
Nemaline myopathy 2 (NEM2). Also called: Nemaline myopathy 2, autosomal recessive. Identifiers: MedGen C1850569, MONDO:0009725, OMIM 256030.

Submission:

Labcorp Genetics (formerly Invitae), Labcorp
Classification: Uncertain significance for Nemaline myopathy 2. Last evaluated: 2021-05-31. Review status: criteria provided, single submitter. Criteria: Invitae Variant Classification Sherloc (09022015). Collection method: clinical testing. Allele origin: germline.
Comment: This sequence change replaces proline with threonine at codon 2183 of the NEB protein (p.Pro2183Thr). The proline residue is moderately conserved and there is a small physicochemical difference between proline and threonine. This variant is not present in population databases (ExAC no frequency). This variant has not been reported in the literature in individuals with NEB-related conditions. Algorithms developed to predict the effect of missense changes on protein structure and function are either unavailable or do not agree on the potential impact of this missense change (SIFT: "Deleterious"; PolyPhen-2: "Not Available"; Align-GVGD: "Class C0"). In summary, the available evidence is currently insufficient to determine the role of this variant in disease. Therefore, it has been classified as a Variant of Uncertain Significance.